The following is an entry in ClinVar:

NM_014780.5(CUL7):c.1027C>T (p.Pro343Ser)

Gene: CUL7 (cullin 7; minus strand). Cytogenetic location: 6p21.1.
Variant type: single nucleotide variant.
Coding change: c.1027C>T on transcript NM_014780.5 (MANE Select); coding-DNA position 1027, C replaced by T.
Protein change: p.Pro343Ser; replaces proline 343 with serine.
Molecular consequence: missense variant.
Genome position (GRCh38, 1-based): chr6:43,051,174, G>A on the plus strand (C>T on the coding strand, the complement: CUL7 is on the minus strand). VCF-style: chr6-43051174-G-A. GRCh37 (hg19) VCF-style: chr6-43018912-G-A.
Other names: c.1123C>T, p.Pro375Ser (NM_001168370.2, NM_001374872.1); c.1027C>T, p.Pro343Ser (NM_001374873.1, NM_001374874.1); short protein forms P343S, P375S.
Identifiers: ClinVar variation 356852 (VCV000356852.16), dbSNP rs113845886, ClinGen allele CA3814256.
Genomic context (GRCh38, chr6:43,051,174, plus strand): 5'-ACTCAGAACGAGGGCGAAAACGTCTTGACCTCCTGAAGGAGGGCTGAGCCTGGGCAGCGG[G>A]GAGCCCTGGGCTCACATCTGCCAGCTGAGGCTGGAAGATGGAACCGGGGGACCGTGCTGA-3'
Protein context (NP_055595.2, residues 333-353): PQLADVSPGL[Pro343Ser]AAQAQPSFRR

ClinVar aggregate classification (germline): Benign/Likely benign. Review status: criteria provided, multiple submitters, no conflicts (2 of 4 stars). 4 submissions from 4 submitters: Benign (3); Likely benign (1). Last evaluated 2026-05-13.

Conditions:
3M syndrome 1. Also called: 3-M Syndrome, CUL7-Related. Identifiers: Orphanet 2616, MedGen C2678312, MONDO:0010117, OMIM 273750.

Allele frequency attached by ClinVar (database versions not stated): gnomAD exomes 0.00321 and 0.00112; TOPMed 0.01431; ExAC 0.00392; 1000 Genomes Project 0.01118; gnomAD 0.01387 and 0.01275; 1000 Genomes Project 30x 0.01124; ESP Exome Variant Server 0.01361.

Submissions (4):

Women's Health and Genetics/Laboratory Corporation of America, LabCorp
Classification: Likely benign. Last evaluated: 2026-05-13. Review status: criteria provided, single submitter. Criteria: LabCorp Variant Classification Summary - May 2015. Collection method: clinical testing. Allele origin: germline.

Labcorp Genetics (formerly Invitae), Labcorp
Classification: Benign. Last evaluated: 2026-01-28. Review status: criteria provided, single submitter. Criteria: Invitae Variant Classification Sherloc (09022015). Collection method: clinical testing. Allele origin: germline.

Illumina Laboratory Services, Illumina
Classification: Benign for 3M syndrome 1. Last evaluated: 2018-01-12. Review status: criteria provided, single submitter. Criteria: ICSL Variant Classification Criteria 13 December 2019. Collection method: clinical testing. Allele origin: germline.
Comment: This variant was observed in the ICSL laboratory as part of a predisposition screen in an ostensibly healthy population. It had not been previously curated by ICSL or reported in the Human Gene Mutation Database (HGMD: prior to June 1st, 2018), and was therefore a candidate for classification through an automated scoring system. Utilizing variant allele frequency, disease prevalence and penetrance estimates, and inheritance mode, an automated score was calculated to assess if this variant is too frequent to cause the disease. Based on the score and internal cut-off values, a variant classified as benign is not then subjected to further curation. The score for this variant resulted in a classification of benign for this disease.

Center for Pediatric Genomic Medicine, Children's Mercy Hospital and Clinics
Classification: Benign. Last evaluated: 2017-02-23. Review status: criteria provided, single submitter. Criteria: ACMG Guidelines, 2015. Collection method: clinical testing. Allele origin: germline.